The following is an entry in ClinVar:

ClinVar aggregate classification (germline): Uncertain significance (1 of 4 stars; one submission).

gnomAD v4.1: 1 of 1,613,412 alleles (0.000062%); highest among the groups gnomAD compares: African/African-American, 0.0013%; no homozygotes.

Submission:

GeneDx
Classification: Uncertain significance. Last evaluated: 2026-04-14. Review status: criteria provided, single submitter. Criteria: GeneDx Variant Classification Process June 2021. Collection method: clinical testing. Allele origin: germline.
Comment: Identified in a cohort of patients with neurodevelopmental disorders (NDDs) in published literature (PMID: 33004838); In silico analysis supports that this missense variant has a deleterious effect on protein structure/function; Also known as p.(Arg924Trp); This variant is associated with the following publications: (PMID: 33004838)

NM_001303052.2(MYT1L):c.2770C>T (p.Arg924Trp)

Gene: MYT1L (myelin transcription factor 1 like; minus strand). Cytogenetic location: 2p25.3.
Variant type: single nucleotide variant.
Coding change: c.2770C>T on transcript NM_001303052.2 (MANE Select); coding-DNA position 2770, C replaced by T.
Protein change: p.Arg924Trp; replaces arginine 924 with tryptophan.
Molecular consequence: missense variant.
Genome position (GRCh38, 1-based): chr2:1,851,645, G>A on the plus strand (C>T on the coding strand, the complement: MYT1L is on the minus strand). VCF-style: chr2-1851645-G-A. GRCh37 (hg19) VCF-style: chr2-1855417-G-A.
Other names: c.2770C>T, p.Arg924Trp (NM_001329844.2, NM_001329845.1, NM_001329851.3); c.2764C>T, p.Arg922Trp (NM_001329846.3, NM_001329847.2, NM_001329848.1 and 3 more transcripts); short protein forms R922W, R924W.
Identifiers: ClinVar variation 3769838 (VCV003769838.2).